The following is an entry in ClinVar:

NM_000484.4(APP):c.794C>T (p.Ala265Val)

Gene: APP (amyloid beta precursor protein; minus strand). Cytogenetic location: 21q21.3.
Variant type: single nucleotide variant.
Coding change: c.794C>T on transcript NM_000484.4 (MANE Select); coding-DNA position 794, C replaced by T.
Protein change: p.Ala265Val; replaces alanine 265 with valine.
Molecular consequence: missense variant.
Genome position (GRCh38, 1-based): chr21:26,021,911, G>A on the plus strand (C>T on the coding strand, the complement: APP is on the minus strand). VCF-style: chr21-26021911-G-A. GRCh37 (hg19) VCF-style: chr21-27394227-G-A.
Other names: c.779C>T, p.Ala260Val (NM_001136016.3); c.626C>T, p.Ala209Val (NM_001136129.3, NM_001136130.3); c.689C>T, p.Ala230Val (NM_001136131.3); c.794C>T, p.Ala265Val (NM_001204301.2, NM_001204302.2, NM_001204303.2 and 3 more transcripts); short protein forms A209V, A230V, A260V, A265V.
Identifiers: ClinVar variation 4874717 (VCV004874717.2).
Genomic context (GRCh38, chr21:26,021,911, plus strand): 5'-TCTTCCACAGACTCTGTGGTGGTGGTGGTGGTGGTGGCAATGCTGGTGGTTCTCTCTGTG[G>A]CTTCTTCGTAGGGTTCCTCAGCCTCTTCCTCTACCTCATCACCATCCTCATCGTCCTCGT-3'
Protein context (NP_000475.1, residues 255-275): EEEAEEPYEE[Ala265Val]TERTTSIATT

ClinVar aggregate classification (germline): Uncertain significance (1 of 4 stars; one submission).

gnomAD v4.1: 2 of 1,613,210 alleles (0.00012%); highest among the groups gnomAD compares: South Asian, 0.0011%; no homozygotes.

Submission:

CeGaT Center for Human Genetics Tuebingen
Classification: Uncertain significance. Last evaluated: 2026-04-01. Review status: criteria provided, single submitter. Criteria: CeGaT Center For Human Genetics Tuebingen Variant Classification Criteria Version 2. Collection method: clinical testing. Allele origin: germline. Affected: yes. Observed: 1 variant allele.
Comment: APP: PM2